The following is an entry in ClinVar:

ClinVar aggregate classification (germline): Uncertain significance (1 of 4 stars; one submission).

Conditions:
Developmental and epileptic encephalopathy, 36 (DEE36). Also called: Congenital disorder of glycosylation, type Is; ALG13-CDG; Epileptic encephalopathy, early infantile, 36. Identifiers: Orphanet 324422, MedGen C4317295, MONDO:0010472, OMIM 300884.

Allele frequency attached by ClinVar (database versions not stated): ExAC below 0.00001; gnomAD exomes below 0.00001; gnomAD 0.00001; TOPMed 0.00001.
gnomAD v4.1: 4 of 1,209,044 alleles (0.00033%); highest among the groups gnomAD compares: Admixed American, 0.0022%; no homozygotes.

Submission:

Labcorp Genetics (formerly Invitae), Labcorp
Classification: Uncertain significance for Developmental and epileptic encephalopathy, 36. Last evaluated: 2022-07-12. Review status: criteria provided, single submitter. Criteria: Invitae Variant Classification Sherloc (09022015). Collection method: clinical testing. Allele origin: germline.
Comment: In summary, the available evidence is currently insufficient to determine the role of this variant in disease. Therefore, it has been classified as a Variant of Uncertain Significance. Algorithms developed to predict the effect of missense changes on protein structure and function output the following: SIFT: "Tolerated"; PolyPhen-2: "Benign"; Align-GVGD: "Class C0". The serine amino acid residue is found in multiple mammalian species, which suggests that this missense change does not adversely affect protein function. ClinVar contains an entry for this variant (Variation ID: 1008713). This variant has not been reported in the literature in individuals affected with ALG13-related conditions. This variant is not present in population databases (gnomAD no frequency). This sequence change replaces proline, which is neutral and non-polar, with serine, which is neutral and polar, at codon 1128 of the ALG13 protein (p.Pro1128Ser).

NM_001099922.3(ALG13):c.3382C>T (p.Pro1128Ser)

Gene: ALG13 (ALG13 UDP-N-acetylglucosaminyltransferase subunit; plus strand). Cytogenetic location: Xq23.
Variant type: single nucleotide variant.
Coding change: c.3382C>T on transcript NM_001099922.3 (MANE Select); coding-DNA position 3382, C replaced by T.
Protein change: p.Pro1128Ser; replaces proline 1128 with serine.
Molecular consequence: missense variant. On other transcripts: non-coding transcript variant (1).
Genome position (GRCh38, 1-based): chrX:111,759,967, C>T. VCF-style: chrX-111759967-C-T. GRCh37 (hg19) VCF-style: chrX-111003195-C-T.
Other names: c.2833C>T, p.Pro945Ser (NM_001257230.2, NM_001257234.2, NM_001257237.2); c.3148C>T, p.Pro1050Ser (NM_001257231.2); c.3145C>T, p.Pro1049Ser (NM_001324292.2); c.2659C>T, p.Pro887Ser (NM_001324293.1); short protein forms P1049S, P1050S, P1128S, P887S, P945S.
Identifiers: ClinVar variation 1008713 (VCV001008713.7), dbSNP rs772141937, ClinGen allele CA10494083.